The following is an entry in ClinVar:

ClinVar aggregate classification (germline): Likely benign. Review status: criteria provided, multiple submitters, no conflicts (2 of 4 stars). 4 submissions from 4 submitters: Likely benign (4). Last evaluated 2025-10-30.

Conditions:
Inborn genetic diseases. Identifiers: MedGen C0950123, MeSH D030342.
GFAP-related disorder. Also called: GFAP-related condition; GFAP-related disorders.

Allele frequency attached by ClinVar (database versions not stated): ExAC 0.00006; gnomAD exomes 0.00006; 1000 Genomes Project 30x 0.00016; 1000 Genomes Project 0.00020; ESP Exome Variant Server 0.00031; gnomAD 0.00034 and 0.00040; TOPMed 0.00034.
gnomAD v4.1: 100 of 1,611,506 alleles (0.0062%); highest among the groups gnomAD compares: African/African-American, 0.12%; no homozygotes.

Submissions (4):

PreventionGenetics, part of Exact Sciences
Classification: Likely benign for GFAP-related condition. Last evaluated: 2025-10-30. Review status: criteria provided, single submitter. Criteria: ACMG Guidelines, 2015. Collection method: clinical testing. Allele origin: germline.
Comment: This variant is classified as likely benign based on ACMG/AMP sequence variant interpretation guidelines (Richards et al. 2015 PMID: 25741868, with internal and published modifications).

Labcorp Genetics (formerly Invitae), Labcorp
Classification: Likely benign. Last evaluated: 2024-07-30. Review status: criteria provided, single submitter. Criteria: Invitae Variant Classification Sherloc (09022015). Collection method: clinical testing. Allele origin: germline.

Blueprint Genetics
Classification: Likely benign. Last evaluated: 2023-12-13. Review status: criteria provided, single submitter. Criteria: ACMG Guidelines, 2015. Collection method: clinical testing. Allele origin: germline.

Ambry Genetics
Classification: Likely benign for Inborn genetic diseases. Last evaluated: 2021-06-11. Review status: criteria provided, single submitter. Criteria: Ambry Variant Classification Scheme 2023. Collection method: clinical testing. Allele origin: germline.

NM_002055.5(GFAP):c.130C>G (p.Pro44Ala)

Gene: GFAP (glial fibrillary acidic protein; minus strand). Cytogenetic location: 17q21.31.
Variant type: single nucleotide variant.
Coding change: c.130C>G on transcript NM_002055.5 (MANE Select); coding-DNA position 130, C replaced by G.
Protein change: p.Pro44Ala; replaces proline 44 with alanine.
Molecular consequence: missense variant.
Genome position (GRCh38, 1-based): chr17:44,915,357, G>C on the plus strand (C>G on the coding strand, the complement: GFAP is on the minus strand). VCF-style: chr17-44915357-G-C. GRCh37 (hg19) VCF-style: chr17-42992725-G-C.
Other names: c.130C>G (NM_002055.4); c.130C>G, p.Pro44Ala (NM_001131019.3, NM_001242376.3, NM_001363846.2); short protein forms P44A.
Identifiers: ClinVar variation 1673480 (VCV001673480.11), dbSNP rs144543354, ClinGen allele CA8609095.